The following is an entry in ClinVar:

NM_001114753.3(ENG):c.1664_1676del (p.Pro555fs)

Genes: ENG (endoglin; minus strand), LOC102723566 (uncharacterized LOC102723566; plus strand). Cytogenetic location: 9q34.11.
Variant type: Deletion.
Coding change: c.1664_1676del on transcript NM_001114753.3 (MANE Select); coding-DNA positions 1664 to 1676, 13 bases deleted (CCAAGACCGGGTC).
Protein change: p.Pro555fs; shifts the reading frame from proline 555.
Molecular consequence: frameshift variant.
Genome position (GRCh38, 1-based): chr9:127,818,130-127,818,142, GACCCGGTCTTGG deleted on the plus strand (CCAAGACCGGGTC on the coding strand, the reverse complement: ENG is on the minus strand); deleting any 13 consecutive bases within chr9:127,818,130-127,818,145 gives the same sequence; the c. name uses the placement nearest the transcript's 3' end. VCF-style (leftmost placement, unchanged base first): chr9-127818129-AGACCCGGTCTTGG-A. GRCh37 (hg19) VCF-style: chr9-130580408-AGACCCGGTCTTGG-A.
Other names: c.1664_1676del, p.Pro555fs (NM_000118.4); c.1118_1130del, p.Pro373fs (NM_001278138.2); c.1664_1676del13 (NM_000118.3); short protein forms P373fs, P555fs.
Identifiers: ClinVar variation 2637159 (VCV002637159.1), dbSNP rs2539059099, ClinGen allele CA2695199411.
Genomic context (GRCh38, chr9:127,818,129, plus strand): 5'-CAGACCTGGAAGCTCCCACTTGAAGCTGGGGCCGGCCCAGGCCCCACTCACCTGGTCTTG[AGACCCGGTCTTGG>A]GACGCAGGGCTACCGTGCAGCTGAGGGTGCCGGTTTTGGGTATGGGTACTGTGTAGAAGT-3'

ClinVar aggregate classification (germline): Likely pathogenic (1 of 4 stars; one submission).

Conditions:
ENG-related disorder. Also called: ENG-related disorders; ENG-related condition.

Submission:

PreventionGenetics, part of Exact Sciences
Classification: Likely pathogenic for ENG-related condition. Last evaluated: 2022-10-26. Review status: criteria provided, single submitter. Criteria: ACMG Guidelines, 2015. Collection method: clinical testing. Allele origin: germline.
Comment: The ENG c.1664_1676del13 variant is predicted to result in a frameshift and premature protein termination (p.Pro555Leufs*14). To our knowledge, this variant has not been reported in the literature or in a large population database, indicating this variant is rare. Frameshift variants in ENG are expected to be pathogenic. This variant is interpreted as likely pathogenic.